The following is an entry in ClinVar:

ClinVar aggregate classification (germline): Uncertain significance (1 of 4 stars; one submission).

Conditions:
Primary dilated cardiomyopathy (DCM). Also called: Dilated Cardiomyopathy. Identifiers: Orphanet 217604, MedGen C0007193, MeSH D002311, MONDO:0005021, HP:0001644. Inheritance: Various modes of inheritance.

Allele frequency attached by ClinVar (database versions not stated): TOPMed 0.00001.
gnomAD v4.1: 1 of 1,609,656 alleles (0.000062%); highest among the groups gnomAD compares: Non-Finnish European, 0.000085%; no homozygotes.

Submission:

Labcorp Genetics (formerly Invitae), Labcorp
Classification: Uncertain significance for Primary dilated cardiomyopathy. Last evaluated: 2022-05-14. Review status: criteria provided, single submitter. Criteria: Invitae Variant Classification Sherloc (09022015). Collection method: clinical testing. Allele origin: germline.
Comment: This variant is not present in population databases (gnomAD no frequency). In summary, the available evidence is currently insufficient to determine the role of this variant in disease. Therefore, it has been classified as a Variant of Uncertain Significance. Algorithms developed to predict the effect of missense changes on protein structure and function (SIFT, PolyPhen-2, Align-GVGD) all suggest that this variant is likely to be tolerated. This variant has not been reported in the literature in individuals affected with NEBL-related conditions. This sequence change replaces proline, which is neutral and non-polar, with leucine, which is neutral and non-polar, at codon 639 of the NEBL protein (p.Pro639Leu).

NM_006393.3(NEBL):c.1916C>T (p.Pro639Leu)

Gene: NEBL (nebulette; minus strand). Cytogenetic location: 10p12.31.
Variant type: single nucleotide variant.
Coding change: c.1916C>T on transcript NM_006393.3 (MANE Select); coding-DNA position 1916, C replaced by T.
Protein change: p.Pro639Leu; replaces proline 639 with leucine.
Molecular consequence: missense variant. On other transcripts: intron variant (9).
Genome position (GRCh38, 1-based): chr10:20,823,254, G>A on the plus strand (C>T on the coding strand, the complement: NEBL is on the minus strand). VCF-style: chr10-20823254-G-A. GRCh37 (hg19) VCF-style: chr10-21112183-G-A.
Other names: c.250-10314C>T (NM_001377326.1, NM_001377327.1, NM_001377328.1); c.358-10314C>T (NM_213569.2, NM_001173484.2, NM_001377322.1); c.301-10314C>T (NM_001377324.1); c.292-10314C>T (NM_001377325.1); c.310-10314C>T (NM_001377323.1); short protein forms P639L.
Identifiers: ClinVar variation 2094162 (VCV002094162.4), dbSNP rs1839526149, ClinGen allele CA376095500.
Genomic context (GRCh38, chr10:20,823,254, plus strand): 5'-AGAAATATGATCACATTGCTGATGTTCTTCTGGTTTTCTTTAACTCTCTTTAGTTCTGGA[G>A]GATCAGAAATGGCTGTTGCATGTTTAATCTCTTCTTTGTATTTCACCTGCATAATTTATA-3'
Protein context (NP_006384.1, residues 629-649): EIKHATAISD[Pro639Leu]PELKRVKENQ